The following is an entry in ClinVar:

NM_006160.4(NEUROD2):c.1008_1012del (p.Pro337fs)

Gene: NEUROD2 (neuronal differentiation 2; minus strand). Cytogenetic location: 17q12.
Variant type: Deletion.
Coding change: c.1008_1012del on transcript NM_006160.4 (MANE Select); coding-DNA positions 1008 to 1012, 5 bases deleted (GCCCA; older notation c.1008_1012delGCCCA).
Protein change: p.Pro337fs; shifts the reading frame from proline 337.
Molecular consequence: frameshift variant.
Genome position (GRCh38, 1-based): chr17:39,605,588-39,605,592, TGGGC deleted on the plus strand (GCCCA on the coding strand, the reverse complement: NEUROD2 is on the minus strand). VCF-style (leftmost placement, unchanged base first): chr17-39605587-GTGGGC-G. GRCh37 (hg19) VCF-style: chr17-37761840-GTGGGC-G.
Other names: short protein forms P337fs.
Identifiers: ClinVar variation 3367227 (VCV003367227.2).
Genomic context (GRCh38, chr17:39,605,587, plus strand): 5'-AGATTCTCCGAGTGGACGCCCCCGCGCACAGCCGACGAGCCGAAGACTAGCCCGTGGCCC[GTGGGC>G]CGCGAACCGGGCAGCGCCGAGTAGTGCATAGAGTAGTGGTAGCTTTTCTCGTGGTCGGGC-3'

ClinVar aggregate classification (germline): Uncertain significance (1 of 4 stars; one submission).

Submission:

GeneDx
Classification: Uncertain significance. Last evaluated: 2025-02-27. Review status: criteria provided, single submitter. Criteria: GeneDx Variant Classification Process June 2021. Collection method: clinical testing. Allele origin: germline.
Comment: Not observed at significant frequency in large population cohorts (gnomAD); Frameshift variant predicted to result in abnormal protein length as the last 46 amino acids are replaced with 43 different amino acids in a gene for which loss-of-function is not an established mechanism of disease; Has not been previously published as pathogenic or benign to our knowledge